The following is an entry in ClinVar:

NM_001033855.3(DCLRE1C):c.1292A>C (p.Gln431Pro)

Gene: DCLRE1C (DNA cross-link repair 1C; minus strand). Cytogenetic location: 10p13.
Variant type: single nucleotide variant.
Coding change: c.1292A>C on transcript NM_001033855.3 (MANE Select); coding-DNA position 1292, A replaced by C.
Protein change: p.Gln431Pro; replaces glutamine 431 with proline.
Molecular consequence: missense variant. On other transcripts: non-coding transcript variant (4).
Genome position (GRCh38, 1-based): chr10:14,909,195, T>G on the plus strand (A>C on the coding strand, the complement: DCLRE1C is on the minus strand). VCF-style: chr10-14909195-T-G. GRCh37 (hg19) VCF-style: chr10-14951194-T-G.
Other names: c.932A>C, p.Gln311Pro (NM_001033857.3, NM_001033858.3, NM_001289077.2 and 2 more transcripts); c.947A>C, p.Gln316Pro (NM_001289076.2, NM_001289078.2, NM_001350966.2 and 1 more transcripts); c.1292A>C, p.Gln431Pro (NM_001350965.2); short protein forms Q311P, Q431P, Q316P.
Identifiers: ClinVar variation 1898610 (VCV001898610.2), dbSNP rs148509969, ClinGen allele CA5416505.

ClinVar aggregate classification (germline): Uncertain significance (1 of 4 stars; one submission).

Conditions:
Severe combined immunodeficiency due to DCLRE1C deficiency (RS-SCID). Also called: SCID, AUTOSOMAL RECESSIVE, T CELL-NEGATIVE, B CELL-NEGATIVE, NK CELL-POSITIVE, WITH SENSITIVITY TO IONIZING RADIATION. Identifiers: Orphanet 275, MedGen C1865371, MONDO:0011225, OMIM 602450.

Allele frequency attached by ClinVar (database versions not stated): gnomAD 0.00001; ESP Exome Variant Server 0.00008; TOPMed below 0.00001; ExAC 0.00001.

Submission:

Labcorp Genetics (formerly Invitae), Labcorp
Classification: Uncertain significance for Athabaskan severe combined immunodeficiency. Last evaluated: 2021-08-14. Review status: criteria provided, single submitter. Criteria: Invitae Variant Classification Sherloc (09022015). Collection method: clinical testing. Allele origin: germline.
Comment: This sequence change replaces glutamine with proline at codon 431 of the DCLRE1C protein (p.Gln431Pro). The glutamine residue is weakly conserved and there is a moderate physicochemical difference between glutamine and proline. This variant is present in population databases (rs148509969, ExAC 0.001%). This variant has not been reported in the literature in individuals affected with DCLRE1C-related conditions. Algorithms developed to predict the effect of missense changes on protein structure and function output the following: SIFT: "Tolerated"; PolyPhen-2: "Benign"; Align-GVGD: "Class C0". The proline amino acid residue is found in multiple mammalian species, which suggests that this missense change does not adversely affect protein function. In summary, the available evidence is currently insufficient to determine the role of this variant in disease. Therefore, it has been classified as a Variant of Uncertain Significance.